The following is an entry in ClinVar:

NM_001122752.2(SERPINI1):c.602C>G (p.Thr201Ser)

Gene: SERPINI1 (serpin family I member 1; plus strand). Cytogenetic location: 3q26.1.
Variant type: single nucleotide variant.
Coding change: c.602C>G on transcript NM_001122752.2 (MANE Select); coding-DNA position 602, C replaced by G.
Protein change: p.Thr201Ser; replaces threonine 201 with serine.
Molecular consequence: missense variant.
Genome position (GRCh38, 1-based): chr3:167,792,710, C>G. VCF-style: chr3-167792710-C-G. GRCh37 (hg19) VCF-style: chr3-167510498-C-G.
Other names: c.602C>G, p.Thr201Ser (NM_005025.5); c.602C>G (NM_005025.4); short protein forms T201S.
Identifiers: ClinVar variation 1477673 (VCV001477673.9), dbSNP rs778816229, ClinGen allele CA355156696.

ClinVar aggregate classification (germline): Uncertain significance. Review status: criteria provided, multiple submitters, no conflicts (2 of 4 stars). 2 submissions from 2 submitters: Uncertain significance (2). Last evaluated 2025-08-25.

Conditions:
Familial encephalopathy with neuroserpin inclusion bodies. Also called: ENCEPHALOPATHY, FAMILIAL, WITH COLLINS BODIES. Identifiers: Orphanet 85110, MedGen C1858680, MONDO:0011412, OMIM 604218.
Inborn genetic diseases. Identifiers: MedGen C0950123, MeSH D030342.

Allele frequency attached by ClinVar (database versions not stated): TOPMed 0.00001.
gnomAD v4.1: 7 of 1,613,802 alleles (0.00043%); highest among the groups gnomAD compares: Admixed American, 0.0017%; no homozygotes.

Submissions (2):

Ambry Genetics
Classification: Uncertain significance for Inborn genetic diseases. Last evaluated: 2025-08-25. Review status: criteria provided, single submitter. Criteria: Ambry Variant Classification Scheme 2023. Collection method: clinical testing. Allele origin: germline.

Labcorp Genetics (formerly Invitae), Labcorp
Classification: Uncertain significance for Familial encephalopathy with neuroserpin inclusion bodies. Last evaluated: 2021-04-23. Review status: criteria provided, single submitter. Criteria: Invitae Variant Classification Sherloc (09022015). Collection method: clinical testing. Allele origin: germline.
Comment: This sequence change replaces threonine with serine at codon 201 of the SERPINI1 protein (p.Thr201Ser). The threonine residue is highly conserved and there is a small physicochemical difference between threonine and serine. This variant is not present in population databases (ExAC no frequency). This variant has not been reported in the literature in individuals with SERPINI1-related conditions. Advanced modeling of protein sequence and biophysical properties (such as structural, functional, and spatial information, amino acid conservation, physicochemical variation, residue mobility, and thermodynamic stability) performed at Invitae indicates that this missense variant is not expected to disrupt SERPINI1 protein function. In summary, the available evidence is currently insufficient to determine the role of this variant in disease. Therefore, it has been classified as a Variant of Uncertain Significance.